The following is an entry in ClinVar:

NM_001365536.1(SCN9A):c.4904T>C (p.Phe1635Ser)

Genes: SCN1A-AS1 (SCN1A and SCN9A antisense RNA 1; plus strand), SCN9A (sodium voltage-gated channel alpha subunit 9; minus strand). Cytogenetic location: 2q24.3.
Variant type: single nucleotide variant.
Coding change: c.4904T>C on transcript NM_001365536.1 (MANE Select); coding-DNA position 4904, T replaced by C.
Protein change: p.Phe1635Ser; replaces phenylalanine 1635 with serine.
Molecular consequence: missense variant. On other transcripts: non-coding transcript variant (1).
Genome position (GRCh38, 1-based): chr2:166,199,735, A>G on the plus strand (T>C on the coding strand, the complement: SCN9A is on the minus strand). VCF-style: chr2-166199735-A-G. GRCh37 (hg19) VCF-style: chr2-167056245-A-G.
Other names: c.4871T>C, p.Phe1624Ser (NM_002977.4); short protein forms F1624S, F1635S.
Identifiers: ClinVar variation 246028 (VCV000246028.2), dbSNP rs879254053, ClinGen allele CA10584163.

ClinVar aggregate classification (germline): Uncertain significance (1 of 4 stars; one submission).

Submission:

GeneDx
Classification: Uncertain significance. Last evaluated: 2015-10-20. Review status: criteria provided, single submitter. Criteria: GeneDx Variant Classification (06012015). Collection method: clinical testing. Allele origin: germline. Affected: yes.
Comment: The F1624S variant has not been published as a pathogenic variant, nor has it been reported as a benign variant to our knowledge. It was not observed in approximately 6,500 individuals of European and African American ancestry in the NHLBI Exome Sequencing Project, indicating it is not a common benign variant in these populations. The F1624S variant is a non-conservative amino acid substitution, which is likely to impact secondary protein structure as these residues differ in polarity, charge, size and/or other properties. This substitution occurs at a position that is conserved across species, and in silico analysis predicts this variant is probably damaging to the protein structure/function. Based on the currently available information, it is unclear whether this variant is a pathogenic variant or a rare benign variant.